The following is an entry in ClinVar:

ClinVar aggregate classification (germline): Uncertain significance (1 of 4 stars; one submission).

Conditions:
Early-infantile DEE. Also called: Early infantile epileptic encephalopathy; Ohtahara syndrome; Early infantile epileptic encephalopathy with suppression bursts. Identifiers: Orphanet 1934, MedGen C0393706, MONDO:0800491.

Submission:

Labcorp Genetics (formerly Invitae), Labcorp
Classification: Uncertain significance for Early-infantile DEE. Last evaluated: 2022-06-20. Review status: criteria provided, single submitter. Criteria: Invitae Variant Classification Sherloc (09022015). Collection method: clinical testing. Allele origin: germline.
Comment: In summary, the available evidence is currently insufficient to determine the role of this variant in disease. Therefore, it has been classified as a Variant of Uncertain Significance. Algorithms developed to predict the effect of missense changes on protein structure and function (SIFT, PolyPhen-2, Align-GVGD) all suggest that this variant is likely to be tolerated. This variant has not been reported in the literature in individuals affected with SLC25A22-related conditions. This variant is not present in population databases (gnomAD no frequency). This sequence change replaces lysine, which is basic and polar, with arginine, which is basic and polar, at codon 142 of the SLC25A22 protein (p.Lys142Arg).

NM_001191061.2(SLC25A22):c.425A>G (p.Lys142Arg)

Gene: SLC25A22 (solute carrier family 25 member 22; minus strand). Cytogenetic location: 11p15.5.
Variant type: single nucleotide variant.
Coding change: c.425A>G on transcript NM_001191061.2 (MANE Select); coding-DNA position 425, A replaced by G.
Protein change: p.Lys142Arg; replaces lysine 142 with arginine.
Molecular consequence: missense variant.
Genome position (GRCh38, 1-based): chr11:792,715, T>C on the plus strand (A>G on the coding strand, the complement: SLC25A22 is on the minus strand). VCF-style: chr11-792715-T-C. GRCh37 (hg19) VCF-style: chr11-792715-T-C.
Other names: c.425A>G, p.Lys142Arg (NM_001191060.2, NM_024698.6); short protein forms K142R.
Identifiers: ClinVar variation 1396230 (VCV001396230.9), dbSNP rs2133701999, ClinGen allele CA378970216.